The following is an entry in ClinVar:

ClinVar aggregate classification (germline): Likely pathogenic (0 of 4 stars; one submission).

Conditions:
SHH-related disorder. Also called: SHH-related condition; SHH-related disorders.

Submission:

PreventionGenetics, part of Exact Sciences
Classification: Likely pathogenic for SHH-related condition. Last evaluated: 2024-04-30. Review status: no assertion criteria provided. Collection method: clinical testing. Allele origin: germline.
Comment: The SHH c.660dupC variant is predicted to result in a frameshift and premature protein termination (p.Gly221Argfs*102). To our knowledge, this variant has not been reported in the literature or in a large population database, indicating this variant is rare. Frameshift variants in SHH are expected to be pathogenic. This variant is interpreted as likely pathogenic.

NM_000193.4(SHH):c.660dup (p.Gly221fs)

Gene: SHH (sonic hedgehog signaling molecule; minus strand). Cytogenetic location: 7q36.3.
Variant type: Duplication.
Coding change: c.660dup on transcript NM_000193.4 (MANE Select); coding-DNA position 660, one base duplicated (C; older notation c.660dupC).
Protein change: p.Gly221fs; shifts the reading frame from glycine 221.
Molecular consequence: frameshift variant. On other transcripts: intron variant (1).
Genome position (GRCh38, 1-based): chr7:155,803,629, G duplicated on the plus strand (C on the coding strand, the reverse complement: SHH is on the minus strand); the first of 4 consecutive G bases (chr7:155,803,629-155,803,632); duplicating any one gives the same sequence. VCF-style (leftmost placement, unchanged base first): chr7-155803628-C-CG. GRCh37 (hg19) VCF-style: chr7-155596322-C-CG.
Other names: c.301+2667dup (NM_001310462.2); short protein forms G221fs.
Identifiers: ClinVar variation 3344390 (VCV003344390.1).